The following is an entry in ClinVar:

NM_145038.5(DRC1):c.396C>A (p.Asp132Glu)

Gene: DRC1 (dynein regulatory complex subunit 1; plus strand). Cytogenetic location: 2p23.3.
Variant type: single nucleotide variant.
Coding change: c.396C>A on transcript NM_145038.5 (MANE Select); coding-DNA position 396, C replaced by A.
Protein change: p.Asp132Glu; replaces aspartic acid 132 with glutamic acid.
Molecular consequence: missense variant.
Genome position (GRCh38, 1-based): chr2:26,424,310, C>A. VCF-style: chr2-26424310-C-A. GRCh37 (hg19) VCF-style: chr2-26647178-C-A.
Other names: short protein forms D132E.
Identifiers: ClinVar variation 575201 (VCV000575201.9), dbSNP rs770549722, ClinGen allele CA1561849.

ClinVar aggregate classification (germline): Uncertain significance (1 of 4 stars; one submission).

Conditions:
Primary ciliary dyskinesia. Also called: Ciliary dyskinesia. Identifiers: Orphanet 244, MedGen C0008780, MONDO:0016575, HP:0012265.

Allele frequency attached by ClinVar (database versions not stated): ExAC 0.00001.

Submission:

Labcorp Genetics (formerly Invitae), Labcorp
Classification: Uncertain significance for Primary ciliary dyskinesia. Last evaluated: 2022-06-04. Review status: criteria provided, single submitter. Criteria: Invitae Variant Classification Sherloc (09022015). Collection method: clinical testing. Allele origin: germline.
Comment: Algorithms developed to predict the effect of missense changes on protein structure and function output the following: SIFT: "Tolerated"; PolyPhen-2: "Benign"; Align-GVGD: "Class C0". The glutamic acid amino acid residue is found in multiple mammalian species, which suggests that this missense change does not adversely affect protein function. This sequence change replaces aspartic acid, which is acidic and polar, with glutamic acid, which is acidic and polar, at codon 132 of the DRC1 protein (p.Asp132Glu). This variant is present in population databases (rs770549722, gnomAD 0.003%). This variant has not been reported in the literature in individuals affected with DRC1-related conditions. ClinVar contains an entry for this variant (Variation ID: 575201). In summary, the available evidence is currently insufficient to determine the role of this variant in disease. Therefore, it has been classified as a Variant of Uncertain Significance.